The following is an entry in ClinVar:

ClinVar aggregate classification (germline): Conflicting classifications of pathogenicity. Review status: criteria provided, conflicting classifications (1 of 4 stars). 2 submissions from 2 submitters: Uncertain significance (1); Likely benign (1). Last evaluated 2026-01-27.

Conditions:
EGFR-related lung cancer (EGFR). Identifiers: MedGen CN130014.
Hereditary cancer-predisposing syndrome. Also called: Hereditary Cancer Syndrome; Hereditary neoplastic syndrome; Neoplastic Syndromes, Hereditary; Tumor predisposition. Identifiers: Orphanet 140162, MedGen C0027672, MeSH D009386, MONDO:0015356.

Allele frequency attached by ClinVar (database versions not stated): gnomAD exomes below 0.00001.
gnomAD v4.1: 2 of 1,614,116 alleles (0.00012%); highest among the groups gnomAD compares: Non-Finnish European, 0.00017%; no homozygotes.

Submissions (2):

Labcorp Genetics (formerly Invitae), Labcorp
Classification: Uncertain significance for EGFR-related lung cancer. Last evaluated: 2026-01-27. Review status: criteria provided, single submitter. Criteria: Invitae Variant Classification Sherloc (09022015). Collection method: clinical testing. Allele origin: germline.
Comment: This sequence change affects codon 640 of the EGFR mRNA. It is a 'silent' change, meaning that it does not change the encoded amino acid sequence of the EGFR protein. It affects a nucleotide within the consensus splice site. This variant is not present in population databases (gnomAD no frequency). This variant has not been reported in the literature in individuals affected with EGFR-related conditions. ClinVar contains an entry for this variant (Variation ID: 1432241). Algorithms developed to predict the effect of sequence changes on RNA splicing suggest that this variant is not likely to affect RNA splicing. In summary, the available evidence is currently insufficient to determine the role of this variant in disease. Therefore, it has been classified as a Variant of Uncertain Significance.

Ambry Genetics
Classification: Likely benign for Hereditary cancer-predisposing syndrome. Last evaluated: 2025-07-10. Review status: criteria provided, single submitter. Criteria: Ambry Variant Classification Scheme 2023. Collection method: clinical testing. Allele origin: germline.

NM_005228.5(EGFR):c.1920G>T (p.Gly640=)

Gene: EGFR (epidermal growth factor receptor; plus strand). Cytogenetic location: 7p11.2.
Variant type: single nucleotide variant.
Coding change: c.1920G>T on transcript NM_005228.5 (MANE Select); coding-DNA position 1920, G replaced by T.
Protein change: p.Gly640=; no amino-acid change (glycine 640 retained).
Molecular consequence: synonymous variant.
Genome position (GRCh38, 1-based): chr7:55,172,983, G>T. VCF-style: chr7-55172983-G-T. GRCh37 (hg19) VCF-style: chr7-55240676-G-T.
Other names: c.1785G>T, p.Gly595= (NM_001346897.2, NM_001346899.2); c.1920G>T, p.Gly640= (NM_001346898.2); c.1761G>T, p.Gly587= (NM_001346900.2); c.1119G>T, p.Gly373= (NM_001346941.2); c.1920G>T (NM_005228.3).
Identifiers: ClinVar variation 1432241 (VCV001432241.7), dbSNP rs2128952376, ClinGen allele CA454977295.